The following is an entry in ClinVar:

NM_005045.4(RELN):c.6875G>T (p.Arg2292Leu)

Gene: RELN (reelin; minus strand). Cytogenetic location: 7q22.1.
Variant type: single nucleotide variant.
Coding change: c.6875G>T on transcript NM_005045.4 (MANE Select); coding-DNA position 6875, G replaced by T.
Protein change: p.Arg2292Leu; replaces arginine 2292 with leucine.
Molecular consequence: missense variant.
Genome position (GRCh38, 1-based): chr7:103,540,252, C>A on the plus strand (G>T on the coding strand, the complement: RELN is on the minus strand). VCF-style: chr7-103540252-C-A. GRCh37 (hg19) VCF-style: chr7-103180699-C-A.
Other names: c.6875G>T, p.Arg2292Leu (NM_173054.3); short protein forms R2292L.
Identifiers: ClinVar variation 1954562 (VCV001954562.5), dbSNP rs565382144, ClinGen allele CA368769774.

ClinVar aggregate classification (germline): Uncertain significance (1 of 4 stars; one submission).

Conditions:
Norman-Roberts syndrome (LIS2). Also called: Lissencephaly 2 (Norman-Roberts type). Identifiers: Orphanet 89844, MedGen C0796089, MONDO:0009760, OMIM 257320.
Familial temporal lobe epilepsy 7. Identifiers: Orphanet 101046, MedGen C4225327, MONDO:0014639, OMIM 616436.

gnomAD v4.1: 2 of 1,614,160 alleles (0.00012%); no homozygotes.

Submission:

Labcorp Genetics (formerly Invitae), Labcorp
Classification: Uncertain significance for Familial temporal lobe epilepsy 7; Norman-Roberts syndrome. Last evaluated: 2022-12-27. Review status: criteria provided, single submitter. Criteria: Invitae Variant Classification Sherloc (09022015). Collection method: clinical testing. Allele origin: germline.
Comment: Advanced modeling of protein sequence and biophysical properties (such as structural, functional, and spatial information, amino acid conservation, physicochemical variation, residue mobility, and thermodynamic stability) has been performed at Invitae for this missense variant, however the output from this modeling did not meet the statistical confidence thresholds required to predict the impact of this variant on RELN protein function. This variant has not been reported in the literature in individuals affected with RELN-related conditions. This variant is not present in population databases (gnomAD no frequency). This sequence change replaces arginine, which is basic and polar, with leucine, which is neutral and non-polar, at codon 2292 of the RELN protein (p.Arg2292Leu). In summary, the available evidence is currently insufficient to determine the role of this variant in disease. Therefore, it has been classified as a Variant of Uncertain Significance.